The following is an entry in ClinVar:

ClinVar aggregate classification (germline): Uncertain significance (1 of 4 stars; one submission).

gnomAD v4.1: 1 of 1,612,716 alleles (0.000062%); no homozygotes.

Submission:

Labcorp Genetics (formerly Invitae), Labcorp
Classification: Uncertain significance. Last evaluated: 2021-11-24. Review status: criteria provided, single submitter. Criteria: Invitae Variant Classification Sherloc (09022015). Collection method: clinical testing. Allele origin: germline.
Comment: In summary, the available evidence is currently insufficient to determine the role of this variant in disease. Therefore, it has been classified as a Variant of Uncertain Significance. Algorithms developed to predict the effect of missense changes on protein structure and function output the following: SIFT: "Tolerated"; PolyPhen-2: "Benign"; Align-GVGD: "Class C0". The arginine amino acid residue is found in multiple mammalian species, which suggests that this missense change does not adversely affect protein function. This variant has not been reported in the literature in individuals affected with ASPM-related conditions. This variant is not present in population databases (gnomAD no frequency). This sequence change replaces histidine, which is basic and polar, with arginine, which is basic and polar, at codon 2112 of the ASPM protein (p.His2112Arg).

NM_018136.5(ASPM):c.6335A>G (p.His2112Arg)

Gene: ASPM (assembly factor for spindle microtubules; minus strand). Cytogenetic location: 1q31.3.
Variant type: single nucleotide variant.
Coding change: c.6335A>G on transcript NM_018136.5 (MANE Select); coding-DNA position 6335, A replaced by G.
Protein change: p.His2112Arg; replaces histidine 2112 with arginine.
Molecular consequence: missense variant. On other transcripts: intron variant (1).
Genome position (GRCh38, 1-based): chr1:197,102,916, T>C on the plus strand (A>G on the coding strand, the complement: ASPM is on the minus strand). VCF-style: chr1-197102916-T-C. GRCh37 (hg19) VCF-style: chr1-197072046-T-C.
Other names: c.4066-6752A>G (NM_001206846.2); short protein forms H2112R.
Identifiers: ClinVar variation 1490826 (VCV001490826.6), dbSNP rs2125095171, ClinGen allele CA344023141.